The following is an entry in ClinVar:

NM_182641.4(BPTF):c.1059A>G (p.Pro353=)

Gene: BPTF (bromodomain PHD finger transcription factor; plus strand). Cytogenetic location: 17q24.2.
Variant type: single nucleotide variant.
Coding change: c.1059A>G on transcript NM_182641.4 (MANE Select); coding-DNA position 1059, A replaced by G.
Protein change: p.Pro353=; no amino-acid change (proline 353 retained).
Molecular consequence: synonymous variant.
Genome position (GRCh38, 1-based): chr17:67,854,385, A>G. VCF-style: chr17-67854385-A-G. GRCh37 (hg19) VCF-style: chr17-65850501-A-G.
Other names: c.1059A>G, p.Pro353= (NM_004459.7).
Identifiers: ClinVar variation 2040624 (VCV002040624.7), dbSNP rs187105541, ClinGen allele CA8725097.
Genomic context (GRCh38, chr17:67,854,385, plus strand): 5'-CTGTGAGAGTGATAAGGAGTACCATCACGTTCTTCCTTACCAAGAGGCAGAGGACTACCC[A>G]TATGGACCAGTAGAGAACAAGATCAAAGTTCTACAGTTTCTAGTCGATCAGTTTCTTACA-3'
Protein context (NP_872579.2, residues 343-363): VLPYQEAEDY[Pro353=]YGPVENKIKV

ClinVar aggregate classification (germline): Benign/Likely benign. Review status: criteria provided, multiple submitters, no conflicts (2 of 4 stars). 3 submissions from 3 submitters: Benign (1); Likely benign (2). Last evaluated 2026-06-01.

Allele frequency attached by ClinVar (database versions not stated): gnomAD exomes 0.00006; gnomAD 0.00015; TOPMed 0.00020; ExAC 0.00021; 1000 Genomes Project 0.00140; 1000 Genomes Project 30x 0.00141.

Submissions (3):

CeGaT Center for Human Genetics Tuebingen
Classification: Likely benign. Last evaluated: 2026-06-01. Review status: criteria provided, single submitter. Criteria: CeGaT Center For Human Genetics Tuebingen Variant Classification Criteria Version 2. Collection method: clinical testing. Allele origin: germline. Affected: yes. Observed: 1 variant allele.
Comment: BPTF: BP4, BP7

Blueprint Genetics
Classification: Likely benign. Last evaluated: 2024-11-01. Review status: criteria provided, single submitter. Criteria: ACMG Guidelines, 2015. Collection method: clinical testing. Allele origin: germline.

Labcorp Genetics (formerly Invitae), Labcorp
Classification: Benign. Last evaluated: 2024-05-21. Review status: criteria provided, single submitter. Criteria: Invitae Variant Classification Sherloc (09022015). Collection method: clinical testing. Allele origin: germline.